The following is an entry in ClinVar:

ClinVar aggregate classification (germline): Likely benign. Review status: criteria provided, multiple submitters, no conflicts (2 of 4 stars). 3 submissions from 3 submitters: Likely benign (3). Last evaluated 2025-10-01.

Conditions:
PGM1-congenital disorder of glycosylation. Also called: GSD XIV; CDG It; Congenital disorder of glycosylation type 1t; PHOSPHOGLUCOMUTASE 1 DEFICIENCY; PGM1 DEFICIENCY; GLYCOGEN STORAGE DISEASE XIV. Identifiers: Orphanet 319646, MedGen C2752015, MONDO:0013968, OMIM 614921.

Allele frequency attached by ClinVar (database versions not stated): gnomAD exomes 0.00010; ExAC 0.00011; 1000 Genomes Project 30x 0.00031; ESP Exome Variant Server 0.00031; gnomAD 0.00035 and 0.00038; TOPMed 0.00036; 1000 Genomes Project 0.00040.
gnomAD v4.1: 113 of 1,613,466 alleles (0.007%); highest among the groups gnomAD compares: African/African-American, 0.13%; no homozygotes.

Submissions (3):

Mayo Clinic Laboratories, Mayo Clinic
Classification: Likely benign. Last evaluated: 2025-10-01. Review status: criteria provided, single submitter. Criteria: ACMG Guidelines, 2015. Collection method: clinical testing. Allele origin: germline. Observed: 1 variant allele.
Comment: BS1, BP4, BP7

Labcorp Genetics (formerly Invitae), Labcorp
Classification: Likely benign for PGM1-congenital disorder of glycosylation. Last evaluated: 2025-06-19. Review status: criteria provided, single submitter. Criteria: Invitae Variant Classification Sherloc (09022015). Collection method: clinical testing. Allele origin: germline.

Breakthrough Genomics
Classification: Likely benign. Review status: criteria provided, single submitter. Criteria: ACMG Guidelines, 2015. Collection method: not provided. Allele origin: germline. Inheritance: Autosomal recessive inheritance. Affected: yes.

NM_002633.3(PGM1):c.1290C>T (p.Tyr430=)

Gene: PGM1 (phosphoglucomutase 1; plus strand). Cytogenetic location: 1p31.3.
Variant type: single nucleotide variant.
Coding change: c.1290C>T on transcript NM_002633.3 (MANE Select); coding-DNA position 1290, C replaced by T.
Protein change: p.Tyr430=; no amino-acid change (tyrosine 430 retained).
Molecular consequence: synonymous variant.
Genome position (GRCh38, 1-based): chr1:63,651,678, C>T. VCF-style: chr1-63651678-C-T. GRCh37 (hg19) VCF-style: chr1-64117349-C-T.
Other names: p.Tyr430=; c.1344C>T, p.Tyr448= (NM_001172818.1); c.699C>T, p.Tyr233= (NM_001172819.2).
Identifiers: ClinVar variation 726707 (VCV000726707.11), dbSNP rs140357031, ClinGen allele CA889806.